The following is an entry in ClinVar:

NM_002055.5(GFAP):c.920A>C (p.Glu307Ala)

Gene: GFAP (glial fibrillary acidic protein; minus strand). Cytogenetic location: 17q21.31.
Variant type: single nucleotide variant.
Coding change: c.920A>C on transcript NM_002055.5 (MANE Select); coding-DNA position 920, A replaced by C.
Protein change: p.Glu307Ala; replaces glutamic acid 307 with alanine.
Molecular consequence: missense variant.
Genome position (GRCh38, 1-based): chr17:44,911,443, T>G on the plus strand (A>C on the coding strand, the complement: GFAP is on the minus strand). VCF-style: chr17-44911443-T-G. GRCh37 (hg19) VCF-style: chr17-42988811-T-G.
Other names: c.920A>C, p.Glu307Ala (NM_001131019.3, NM_001242376.3, NM_001363846.2); short protein forms E307A.
Identifiers: ClinVar variation 2038185 (VCV002038185.4), dbSNP rs373961432, ClinGen allele CA8608798.

ClinVar aggregate classification (germline): Uncertain significance (1 of 4 stars; one submission).

Allele frequency attached by ClinVar (database versions not stated): gnomAD 0.00001; TOPMed 0.00001; gnomAD exomes 0.00002; ExAC 0.00003; ESP Exome Variant Server 0.00008.
gnomAD v4.1: 33 of 1,608,152 alleles (0.0021%); highest among the groups gnomAD compares: Non-Finnish European, 0.0025%; no homozygotes.

Submission:

Labcorp Genetics (formerly Invitae), Labcorp
Classification: Uncertain significance. Last evaluated: 2024-08-29. Review status: criteria provided, single submitter. Criteria: Invitae Variant Classification Sherloc (09022015). Collection method: clinical testing. Allele origin: germline.
Comment: This sequence change replaces glutamic acid, which is acidic and polar, with alanine, which is neutral and non-polar, at codon 307 of the GFAP protein (p.Glu307Ala). This variant is present in population databases (rs373961432, gnomAD 0.003%). This variant has not been reported in the literature in individuals affected with GFAP-related conditions. ClinVar contains an entry for this variant (Variation ID: 2038185). Invitae Evidence Modeling of protein sequence and biophysical properties (such as structural, functional, and spatial information, amino acid conservation, physicochemical variation, residue mobility, and thermodynamic stability) has been performed for this missense variant. However, the output from this modeling did not meet the statistical confidence thresholds required to predict the impact of this variant on GFAP protein function. In summary, the available evidence is currently insufficient to determine the role of this variant in disease. Therefore, it has been classified as a Variant of Uncertain Significance.